The following is an entry in ClinVar:

ClinVar aggregate classification (germline): Uncertain significance (1 of 4 stars; one submission).

Conditions:
Adult-onset proximal spinal muscular atrophy, autosomal dominant. Also called: Spinal muscular atrophy, late-onset, finkel type; FINKEL LATE-ADULT TYPE SMA. Identifiers: Orphanet 209335, MedGen C1854058, MONDO:0008453, OMIM 182980.
Amyotrophic lateral sclerosis type 8 (ALS8). Identifiers: Orphanet 803, MedGen C1837728, MONDO:0012077, OMIM 608627.

Submission:

Labcorp Genetics (formerly Invitae), Labcorp
Classification: Uncertain significance for Adult-onset proximal spinal muscular atrophy, autosomal dominant; Amyotrophic lateral sclerosis type 8. Last evaluated: 2023-11-01. Review status: criteria provided, single submitter. Criteria: Invitae Variant Classification Sherloc (09022015). Collection method: clinical testing. Allele origin: germline.
Comment: This sequence change replaces lysine, which is basic and polar, with asparagine, which is neutral and polar, at codon 118 of the VAPB protein (p.Lys118Asn). This variant is not present in population databases (gnomAD no frequency). This variant has not been reported in the literature in individuals affected with VAPB-related conditions. Advanced modeling of protein sequence and biophysical properties (such as structural, functional, and spatial information, amino acid conservation, physicochemical variation, residue mobility, and thermodynamic stability) performed at Invitae indicates that this missense variant is expected to disrupt VAPB protein function with a positive predictive value of 80%. In summary, the available evidence is currently insufficient to determine the role of this variant in disease. Therefore, it has been classified as a Variant of Uncertain Significance.

NM_004738.5(VAPB):c.354A>C (p.Lys118Asn)

Gene: VAPB (VAMP associated protein B and C; plus strand). Cytogenetic location: 20q13.32.
Variant type: single nucleotide variant.
Coding change: c.354A>C on transcript NM_004738.5 (MANE Select); coding-DNA position 354, A replaced by C.
Protein change: p.Lys118Asn; replaces lysine 118 with asparagine.
Molecular consequence: missense variant. On other transcripts: intron variant (1).
Genome position (GRCh38, 1-based): chr20:58,438,983, A>C. VCF-style: chr20-58438983-A-C. GRCh37 (hg19) VCF-style: chr20-57014039-A-C.
Other names: c.212-5094A>C (NM_001195677.2); short protein forms K118N.
Identifiers: ClinVar variation 2953470 (VCV002953470.3), dbSNP rs2516062109, ClinGen allele CA409439386.